The following is an entry in ClinVar:

ClinVar aggregate classification (germline): Benign/Likely benign. Review status: criteria provided, multiple submitters, no conflicts (2 of 4 stars). 6 submissions from 6 submitters: Benign (4); Likely benign (2). Last evaluated 2025-10-24.

Conditions:
Inborn genetic diseases. Identifiers: MedGen C0950123, MeSH D030342.
Developmental and epileptic encephalopathy, 11 (DEE11). Also called: Early infantile epileptic encephalopathy 11. Identifiers: Orphanet 1934, MedGen C3150987, MONDO:0013388, OMIM 613721.
Seizures, benign familial infantile, 3 (BFIS3). Also called: CONVULSIONS, BENIGN FAMILIAL INFANTILE, 3; Familial neonatal seizures. Identifiers: Orphanet 140927, Orphanet 306, MedGen C1843140, MONDO:0011904, OMIM 607745.

Allele frequency attached by ClinVar (database versions not stated): gnomAD 0.00014 and 0.00023; gnomAD exomes 0.00014 and 0.00038; TOPMed 0.00025; ExAC 0.00037; 1000 Genomes Project 30x 0.00172; 1000 Genomes Project 0.00180.
gnomAD v4.1: 237 of 1,610,580 alleles (0.015%); highest among the groups gnomAD compares: East Asian, 0.45%; 3 homozygotes.

Submissions (6):

Labcorp Genetics (formerly Invitae), Labcorp
Classification: Benign for Seizures, benign familial infantile, 3; Developmental and epileptic encephalopathy, 11. Last evaluated: 2025-10-24. Review status: criteria provided, single submitter. Criteria: Invitae Variant Classification Sherloc (09022015). Collection method: clinical testing. Allele origin: germline.

Blueprint Genetics
Classification: Likely benign. Last evaluated: 2024-11-21. Review status: criteria provided, single submitter. Criteria: ACMG Guidelines, 2015. Collection method: clinical testing. Allele origin: germline.

GeneDx
Classification: Benign. Last evaluated: 2020-03-31. Review status: criteria provided, single submitter. Criteria: GeneDx Variant Classification Process June 2021. Collection method: clinical testing. Allele origin: germline. Affected: yes.

Genetic Services Laboratory, University of Chicago
Classification: Benign. Last evaluated: 2019-04-09. Review status: criteria provided, single submitter. Criteria: ACMG Guidelines, 2015. Collection method: clinical testing. Allele origin: germline. Affected: no.

Illumina Laboratory Services, Illumina
Classification: Benign for Seizures, benign familial infantile, 3. Last evaluated: 2018-01-13. Review status: criteria provided, single submitter. Criteria: ICSL Variant Classification Criteria 13 December 2019. Collection method: clinical testing. Allele origin: germline.
Comment: This variant was observed in the ICSL laboratory as part of a predisposition screen in an ostensibly healthy population. It had not been previously curated by ICSL or reported in the Human Gene Mutation Database (HGMD: prior to June 1st, 2018), and was therefore a candidate for classification through an automated scoring system. Utilizing variant allele frequency, disease prevalence and penetrance estimates, and inheritance mode, an automated score was calculated to assess if this variant is too frequent to cause the disease. Based on the score and internal cut-off values, a variant classified as benign is not then subjected to further curation. The score for this variant resulted in a classification of benign for this disease.

Ambry Genetics
Classification: Likely benign for Inborn genetic diseases. Last evaluated: 2017-01-24. Review status: criteria provided, single submitter. Criteria: Ambry Variant Classification Scheme 2023. Collection method: clinical testing. Allele origin: germline.

NM_001040142.2(SCN2A):c.960T>C (p.Ile320=)

Gene: SCN2A (sodium voltage-gated channel alpha subunit 2; plus strand). Cytogenetic location: 2q24.3.
Variant type: single nucleotide variant.
Coding change: c.960T>C on transcript NM_001040142.2 (MANE Select); coding-DNA position 960, T replaced by C.
Protein change: p.Ile320=; no amino-acid change (isoleucine 320 retained).
Molecular consequence: synonymous variant.
Genome position (GRCh38, 1-based): chr2:165,310,585, T>C. VCF-style: chr2-165310585-T-C. GRCh37 (hg19) VCF-style: chr2-166167095-T-C.
Other names: c.960T>C, p.Ile320= (NM_001040143.2, NM_001371246.1, NM_001371247.1 and 1 more transcripts).
Identifiers: ClinVar variation 212132 (VCV000212132.27), dbSNP rs185590667, ClinGen allele CA208310.
Genomic context (GRCh38, chr2:165,310,585, plus strand): 5'-GGATGGGAATGGTACTACTTTCAATAGGACAGTGAGCATATTTAACTGGGATGAATATAT[T>C]GAGGATAAAAGTAAGATATACTCTATAAACCATTAAGTTGTTTAGTTCTCTAAATATTAA-3'
Protein context (NP_001035232.1, residues 310-330): TVSIFNWDEY[Ile320=]EDKSHFYFLE